The following is an entry in ClinVar:

NM_022455.5(NSD1):c.5310G>C (p.Trp1770Cys)

Genes: NSD1 (nuclear receptor binding SET domain protein 1; plus strand), LOC126807619 (MED14-independent group 3 enhancer GRCh37_chr5:176696443-176697642; plus strand). Cytogenetic location: 5q35.3.
Variant type: single nucleotide variant.
Coding change: c.5310G>C on transcript NM_022455.5 (MANE Select); coding-DNA position 5310, G replaced by C.
Protein change: p.Trp1770Cys; replaces tryptophan 1770 with cysteine.
Molecular consequence: missense variant.
Genome position (GRCh38, 1-based): chr5:177,269,608, G>C. VCF-style: chr5-177269608-G-C. GRCh37 (hg19) VCF-style: chr5-176696609-G-C.
Other names: c.4437G>C, p.Trp1479Cys (NM_001365684.2, NM_001409308.1, NM_001409309.1 and 1 more transcripts); c.5310G>C, p.Trp1770Cys (NM_001409301.1, NM_001409302.1, NM_001409303.1); c.4890G>C, p.Trp1630Cys (NM_001409304.1); c.4557G>C, p.Trp1519Cys (NM_001409305.1); c.4548G>C, p.Trp1516Cys (NM_001409306.1, NM_001409307.1); short protein forms W1770C, W1501C, W1519C, W1479C, W1516C, W1630C.
Identifiers: ClinVar variation 407366 (VCV000407366.10), dbSNP rs1060501496, ClinGen allele CA16611808.

ClinVar aggregate classification (germline): Uncertain significance (1 of 4 stars; one submission).

Submission:

Labcorp Genetics (formerly Invitae), Labcorp
Classification: Uncertain significance. Last evaluated: 2016-07-02. Review status: criteria provided, single submitter. Criteria: Invitae Variant Classification Sherloc (09022015). Collection method: clinical testing. Allele origin: germline.
Comment: This variant is not present in population databases (ExAC no frequency) and has not been reported in the literature in individuals with a NSD1-related disease. Algorithms developed to predict the effect of missense changes on protein structure and function do not agree on the potential impact of this missense change (SIFT: "Deleterious"; PolyPhen-2: "Probably Damaging"; Align-GVGD: "Class C0"). In summary, this variant is a novel missense change with uncertain impact on protein function. It has been classified as a Variant of Uncertain Significance. This sequence change replaces tryptophan with cysteine at codon 1770 of the NSD1 protein (p.Trp1770Cys). The tryptophan residue is moderately conserved and there is a large physicochemical difference between tryptophan and cysteine.